The following is an entry in ClinVar:

NM_177550.5(SLC13A5):c.748T>C (p.Phe250Leu)

Gene: SLC13A5 (solute carrier family 13 member 5; minus strand). Cytogenetic location: 17p13.1.
Variant type: single nucleotide variant.
Coding change: c.748T>C on transcript NM_177550.5 (MANE Select); coding-DNA position 748, T replaced by C.
Protein change: p.Phe250Leu; replaces phenylalanine 250 with leucine.
Molecular consequence: missense variant.
Genome position (GRCh38, 1-based): chr17:6,701,095, A>G on the plus strand (T>C on the coding strand, the complement: SLC13A5 is on the minus strand). VCF-style: chr17-6701095-A-G. GRCh37 (hg19) VCF-style: chr17-6604414-A-G.
Other names: c.748T>C, p.Phe250Leu (NM_001143838.3); c.697T>C, p.Phe233Leu (NM_001284509.2); c.619T>C, p.Phe207Leu (NM_001284510.2); short protein forms F250L, F207L, F233L.
Identifiers: ClinVar variation 1430576 (VCV001430576.6), dbSNP rs2151492071, ClinGen allele CA397747339.

ClinVar aggregate classification (germline): Uncertain significance (1 of 4 stars; one submission).

Conditions:
Developmental and epileptic encephalopathy, 25 (DEE25). Also called: Epileptic encephalopathy, early infantile, 25; Developmental and epileptic encephalopathy 25, with amelogenesis imperfecta; Epileptic encephalopathy, early infantile, 25, with amelogenesis imperfecta. Identifiers: Orphanet 442835, MedGen C4014621, MONDO:0014392, OMIM 615905.

Submission:

Labcorp Genetics (formerly Invitae), Labcorp
Classification: Uncertain significance for Developmental and epileptic encephalopathy, 25. Last evaluated: 2024-11-05. Review status: criteria provided, single submitter. Criteria: Invitae Variant Classification Sherloc (09022015). Collection method: clinical testing. Allele origin: germline.
Comment: This sequence change replaces phenylalanine, which is neutral and non-polar, with leucine, which is neutral and non-polar, at codon 250 of the SLC13A5 protein (p.Phe250Leu). This variant is not present in population databases (gnomAD no frequency). This variant has not been reported in the literature in individuals affected with SLC13A5-related conditions. ClinVar contains an entry for this variant (Variation ID: 1430576). Invitae Evidence Modeling of protein sequence and biophysical properties (such as structural, functional, and spatial information, amino acid conservation, physicochemical variation, residue mobility, and thermodynamic stability) indicates that this missense variant is expected to disrupt SLC13A5 protein function with a positive predictive value of 80%. In summary, the available evidence is currently insufficient to determine the role of this variant in disease. Therefore, it has been classified as a Variant of Uncertain Significance.